The following is an entry in ClinVar:

NM_003073.5(SMARCB1):c.779A>T (p.Gln260Leu)

Gene: SMARCB1 (SWI/SNF related BAF chromatin remodeling complex subunit B1; plus strand). Cytogenetic location: 22q11.23.
Variant type: single nucleotide variant.
Coding change: c.779A>T on transcript NM_003073.5 (MANE Select); coding-DNA position 779, A replaced by T.
Protein change: p.Gln260Leu; replaces glutamine 260 with leucine.
Molecular consequence: missense variant.
Genome position (GRCh38, 1-based): chr22:23,816,920, A>T. VCF-style: chr22-23816920-A-T. GRCh37 (hg19) VCF-style: chr22-24159107-A-T.
Other names: c.752A>T, p.Gln251Leu (NM_001007468.3); c.806A>T, p.Gln269Leu (NM_001317946.2); c.833A>T, p.Gln278Leu (NM_001362877.2); short protein forms Q251L, Q278L, Q260L, Q269L.
Identifiers: ClinVar variation 4827212 (VCV004827212.1).

ClinVar aggregate classification (germline): Uncertain significance (1 of 4 stars; one submission).

Conditions:
Hereditary cancer-predisposing syndrome. Also called: Neoplastic Syndromes, Hereditary; Tumor predisposition; Hereditary Cancer Syndrome; Hereditary neoplastic syndrome. Identifiers: Orphanet 140162, MedGen C0027672, MeSH D009386, MONDO:0015356.

Submission:

Ambry Genetics
Classification: Uncertain significance for Hereditary cancer-predisposing syndrome. Last evaluated: 2026-03-01. Review status: criteria provided, single submitter. Criteria: Ambry Variant Classification Scheme 2023. Collection method: clinical testing. Allele origin: germline.
Comment: The p.Q260L variant (also known as c.779A>T), located in coding exon 6 of the SMARCB1 gene, results from an A to T substitution at nucleotide position 779. The glutamine at codon 260 is replaced by leucine, an amino acid with dissimilar properties. This amino acid position is conserved. In addition, this alteration is predicted to be deleterious by in silico analysis. Based on the available evidence, the clinical significance of this variant remains unclear.